The following is an entry in ClinVar:

NM_001098.3(ACO2):c.282C>T (p.Asp94=)

Gene: ACO2 (aconitase 2; plus strand). Cytogenetic location: 22q13.2.
Variant type: single nucleotide variant.
Coding change: c.282C>T on transcript NM_001098.3 (MANE Select); coding-DNA position 282, C replaced by T.
Protein change: p.Asp94=; no amino-acid change (aspartic acid 94 retained).
Molecular consequence: synonymous variant.
Genome position (GRCh38, 1-based): chr22:41,507,899, C>T. VCF-style: chr22-41507899-C-T. GRCh37 (hg19) VCF-style: chr22-41903903-C-T.
Other names: p.Asp94=.
Identifiers: ClinVar variation 509931 (VCV000509931.40), dbSNP rs142651093, ClinGen allele CA10257328.

ClinVar aggregate classification (germline): Likely benign. Review status: criteria provided, multiple submitters, no conflicts (2 of 4 stars). 7 submissions from 7 submitters: Likely benign (5). 2 of the submissions do not count toward it. Last evaluated 2026-01-17.

Allele frequency attached by ClinVar (database versions not stated): ExAC 0.00036; gnomAD exomes 0.00039 and 0.00078; TOPMed 0.00039; gnomAD 0.00042 and 0.00044; ESP Exome Variant Server 0.00085.
gnomAD v4.1: 1,179 of 1,614,112 alleles (0.073%); highest among the groups gnomAD compares: Non-Finnish European, 0.095%; no homozygotes.

Submissions (7):

Labcorp Genetics (formerly Invitae), Labcorp
Classification: Likely benign. Last evaluated: 2026-01-17. Review status: criteria provided, single submitter. Criteria: Invitae Variant Classification Sherloc (09022015). Collection method: clinical testing. Allele origin: germline.

CeGaT Center for Human Genetics Tuebingen
Classification: Likely benign. Last evaluated: 2025-11-01. Review status: criteria provided, single submitter. Criteria: CeGaT Center For Human Genetics Tuebingen Variant Classification Criteria Version 2. Collection method: clinical testing. Allele origin: germline. Affected: yes. Observed: 4 variant alleles.
Comment: ACO2: BP4, BP7

Mayo Clinic Laboratories, Mayo Clinic
Classification: Likely benign. Last evaluated: 2025-10-20. Review status: criteria provided, single submitter. Criteria: ACMG Guidelines, 2015. Collection method: clinical testing. Allele origin: germline. Observed: 3 variant alleles.
Comment: BP4, BP7

Blueprint Genetics
Classification: Likely benign. Last evaluated: 2024-10-07. Review status: criteria provided, single submitter. Criteria: ACMG Guidelines, 2015. Collection method: clinical testing. Allele origin: germline.

GeneDx
Classification: Likely benign. Last evaluated: 2017-07-27. Review status: criteria provided, single submitter. Criteria: GeneDx Variant Classification (06012015). Collection method: clinical testing. Allele origin: germline. Affected: yes.
Comment: This variant is considered likely benign or benign based on one or more of the following criteria: it is a conservative change, it occurs at a poorly conserved position in the protein, it is predicted to be benign by multiple in silico algorithms, and/or has population frequency not consistent with disease.

Clinical Genetics DNA and cytogenetics Diagnostics Lab, Erasmus MC, Erasmus Medical Center
Classification: Likely benign. Review status: no assertion criteria provided. Collection method: clinical testing. Allele origin: germline. Affected: yes. Study: VKGL Data-share Consensus. Not counted in ClinVar's aggregate classification.

Clinical Genetics, Academic Medical Center
Classification: Benign. Review status: no assertion criteria provided. Collection method: clinical testing. Allele origin: germline. Affected: yes. Study: VKGL Data-share Consensus. Not counted in ClinVar's aggregate classification.